The following is an entry in ClinVar:

NM_003998.4(NFKB1):c.1307T>C (p.Met436Thr)

Gene: NFKB1 (nuclear factor kappa B subunit 1; plus strand). Cytogenetic location: 4q24.
Variant type: single nucleotide variant.
Coding change: c.1307T>C on transcript NM_003998.4 (MANE Select); coding-DNA position 1307, T replaced by C.
Protein change: p.Met436Thr; replaces methionine 436 with threonine.
Molecular consequence: missense variant.
Genome position (GRCh38, 1-based): chr4:102,596,144, T>C. VCF-style: chr4-102596144-T-C. GRCh37 (hg19) VCF-style: chr4-103517301-T-C.
Other names: c.1307T>C, p.Met436Thr (LRG_1316t1); c.1304T>C, p.Met435Thr (NM_001165412.2, NM_001319226.2); short protein forms M436T, M435T.
Identifiers: ClinVar variation 636786 (VCV000636786.9), dbSNP rs779199620, ClinGen allele CA3026127.

ClinVar aggregate classification (germline): Uncertain significance. Review status: criteria provided, multiple submitters, no conflicts (2 of 4 stars). 2 submissions from 2 submitters: Uncertain significance (2). Last evaluated 2025-12-26.

Allele frequency attached by ClinVar (database versions not stated): ExAC 0.00004; gnomAD 0.00004; TOPMed 0.00005; gnomAD exomes 0.00006.
gnomAD v4.1: 94 of 1,589,622 alleles (0.0059%); highest among the groups gnomAD compares: Non-Finnish European, 0.0077%; no homozygotes.

Submissions (2):

Labcorp Genetics (formerly Invitae), Labcorp
Classification: Uncertain significance. Last evaluated: 2025-12-26. Review status: criteria provided, single submitter. Criteria: Invitae Variant Classification Sherloc (09022015). Collection method: clinical testing. Allele origin: germline.
Comment: This sequence change replaces methionine, which is neutral and non-polar, with threonine, which is neutral and polar, at codon 436 of the NFKB1 protein (p.Met436Thr). This variant is present in population databases (rs779199620, gnomAD 0.005%). This missense change has been observed in individual(s) with clinical features of CVID (PMID: 32278790). ClinVar contains an entry for this variant (Variation ID: 636786). An algorithm developed to predict the effect of missense changes on protein structure and function outputs the following: PolyPhen-2: "Benign". The threonine amino acid residue is found in multiple mammalian species, which suggests that this missense change does not adversely affect protein function. In summary, the available evidence is currently insufficient to determine the role of this variant in disease. Therefore, it has been classified as a Variant of Uncertain Significance.

Blueprint Genetics
Classification: Uncertain significance. Last evaluated: 2023-03-10. Review status: criteria provided, single submitter. Criteria: ACMG Guidelines, 2015. Collection method: clinical testing. Allele origin: germline.

Literature cited by the submitters: PubMed 32278790 (cited by Labcorp Genetics (formerly Invitae), Labcorp).